The following is an entry in ClinVar:

NM_001379200.1(TBX1):c.1030G>A (p.Glu344Lys)

Gene: TBX1 (T-box transcription factor 1; plus strand). Cytogenetic location: 22q11.21.
Variant type: single nucleotide variant.
Coding change: c.1030G>A on transcript NM_001379200.1 (MANE Select); coding-DNA position 1030, G replaced by A.
Protein change: p.Glu344Lys; replaces glutamic acid 344 with lysine.
Molecular consequence: missense variant.
Genome position (GRCh38, 1-based): chr22:19,765,996, G>A. VCF-style: chr22-19765996-G-A. GRCh37 (hg19) VCF-style: chr22-19753519-G-A.
Other names: c.1003G>A, p.Glu335Lys (NM_005992.1, NM_080646.2, NM_080647.1); short protein forms E335K, E344K.
Identifiers: ClinVar variation 2489293 (VCV002489293.6), dbSNP rs1936826061, ClinGen allele CA410683929.

ClinVar aggregate classification (germline): Uncertain significance. Review status: criteria provided, multiple submitters, no conflicts (2 of 4 stars). 2 submissions from 2 submitters: Uncertain significance (2). Last evaluated 2025-08-02.

Conditions:
Cardiovascular phenotype. Identifiers: MedGen CN230736.
DiGeorge syndrome. Also called: Catch22; THIRD AND FOURTH PHARYNGEAL POUCH SYNDROME. Identifiers: Orphanet 567, MedGen C0012236, MONDO:0008564, OMIM 188400.

Allele frequency attached by ClinVar (database versions not stated): gnomAD exomes below 0.00001; TOPMed below 0.00001; gnomAD 0.00001.

Submissions (2):

Ambry Genetics
Classification: Uncertain significance for Cardiovascular phenotype. Last evaluated: 2025-08-02. Review status: criteria provided, single submitter. Criteria: Ambry Variant Classification Scheme 2023. Collection method: clinical testing. Allele origin: germline.

Labcorp Genetics (formerly Invitae), Labcorp
Classification: Uncertain significance for DiGeorge syndrome. Last evaluated: 2023-06-15. Review status: criteria provided, single submitter. Criteria: Invitae Variant Classification Sherloc (09022015). Collection method: clinical testing. Allele origin: germline.
Comment: This sequence change replaces glutamic acid, which is acidic and polar, with lysine, which is basic and polar, at codon 335 of the TBX1 protein (p.Glu335Lys). In summary, the available evidence is currently insufficient to determine the role of this variant in disease. Therefore, it has been classified as a Variant of Uncertain Significance. Advanced modeling of protein sequence and biophysical properties (such as structural, functional, and spatial information, amino acid conservation, physicochemical variation, residue mobility, and thermodynamic stability) performed at Invitae indicates that this missense variant is not expected to disrupt TBX1 protein function. ClinVar contains an entry for this variant (Variation ID: 2489293). This variant has not been reported in the literature in individuals affected with TBX1-related conditions. This variant is not present in population databases (gnomAD no frequency).